The following is an entry in ClinVar:

NM_145064.3(STAC3):c.883T>C (p.Phe295Leu)

Gene: STAC3 (SH3 and cysteine rich domain 3; minus strand). Cytogenetic location: 12q13.3.
Variant type: single nucleotide variant.
Coding change: c.883T>C on transcript NM_145064.3 (MANE Select); coding-DNA position 883, T replaced by C.
Protein change: p.Phe295Leu; replaces phenylalanine 295 with leucine.
Molecular consequence: missense variant. On other transcripts: non-coding transcript variant (1).
Genome position (GRCh38, 1-based): chr12:57,244,201, A>G on the plus strand (T>C on the coding strand, the complement: STAC3 is on the minus strand). VCF-style: chr12-57244201-A-G. GRCh37 (hg19) VCF-style: chr12-57637984-A-G.
Other names: c.766T>C, p.Phe256Leu (NM_001286256.2); c.325T>C, p.Phe109Leu (NM_001286257.2); short protein forms F295L, F109L, F256L.
Identifiers: ClinVar variation 534101 (VCV000534101.17), dbSNP rs138921555, ClinGen allele CA6646953.
Genomic context (GRCh38, chr12:57,244,201, plus strand): 5'-TCGTCACGCGGTGCACACGTTCTCCAGCCCGGACCCGAATGATGAAGTTTGGAGGGAAAA[A>G]TCCGACCTTCTCCCCGATTTTCCCCTAGGGAAGATAGTAGGGAGAGTCCATCTCTCAATG-3'
Protein context (NP_659501.1, residues 285-305): WRGKIGEKVG[Phe295Leu]FPPNFIIRVR

ClinVar aggregate classification (germline): Likely benign. Review status: criteria provided, multiple submitters, no conflicts (2 of 4 stars). 2 submissions from 2 submitters: Likely benign (2). Last evaluated 2026-07-23.

Conditions:
Bailey-Bloch congenital myopathy (CMYO13). Also called: STAC3 disorder; Native American myopathy; Congenital myopathy 13. Identifiers: Orphanet 168572, MedGen C1850625, MONDO:0009722, OMIM 255995.
STAC3-related disorder. Also called: STAC3-related condition.

Allele frequency attached by ClinVar (database versions not stated): gnomAD exomes 0.00024; ExAC 0.00030; 1000 Genomes Project 0.00040; 1000 Genomes Project 30x 0.00047; gnomAD 0.00100 and 0.00110; TOPMed 0.00107; ESP Exome Variant Server 0.00131.
gnomAD v4.1: 320 of 1,614,100 alleles (0.02%); highest among the groups gnomAD compares: African/African-American, 0.35%; 1 homozygote.

Submissions (2):

PreventionGenetics, part of Exact Sciences
Classification: Likely benign for STAC3-related condition. Last evaluated: 2026-07-23. Review status: criteria provided, single submitter. Criteria: ACMG Guidelines, 2015. Collection method: clinical testing. Allele origin: germline.
Comment: This variant is classified as likely benign based on ACMG/AMP sequence variant interpretation guidelines (Richards et al. 2015 PMID: 25741868, with internal and published modifications).

Labcorp Genetics (formerly Invitae), Labcorp
Classification: Likely benign for Bailey-Bloch congenital myopathy. Last evaluated: 2025-10-27. Review status: criteria provided, single submitter. Criteria: Invitae Variant Classification Sherloc (09022015). Collection method: clinical testing. Allele origin: germline.